The following is an entry in ClinVar:

ClinVar aggregate classification (germline): Likely benign. Review status: criteria provided, single submitter (1 of 4 stars). 2 submissions from 2 submitters: Likely benign (1). 1 of the submissions does not count toward it. Last evaluated 2026-05-01.

Conditions:
THSD1-related disorder. Also called: THSD1-related condition.

Allele frequency attached by ClinVar (database versions not stated): 1000 Genomes Project 0.00120; 1000 Genomes Project 30x 0.00141; TOPMed 0.00196; gnomAD 0.00241; ExAC 0.00291; ESP Exome Variant Server 0.00308; gnomAD exomes 0.00346.

Submissions (2):

CeGaT Center for Human Genetics Tuebingen
Classification: Likely benign. Last evaluated: 2026-05-01. Review status: criteria provided, single submitter. Criteria: CeGaT Center For Human Genetics Tuebingen Variant Classification Criteria Version 2. Collection method: clinical testing. Allele origin: germline. Affected: yes. Observed: 2 variant alleles.
Comment: THSD1: BP4, BS2

PreventionGenetics, part of Exact Sciences
Classification: Likely benign for THSD1-related condition. Last evaluated: 2019-07-16. Review status: no assertion criteria provided. Collection method: clinical testing. Allele origin: germline. Not counted in ClinVar's aggregate classification.
Comment: This variant is classified as likely benign based on ACMG/AMP sequence variant interpretation guidelines (Richards et al. 2015 PMID: 25741868, with internal and published modifications).

NM_018676.4(THSD1):c.701T>C (p.Ile234Thr)

Gene: THSD1 (thrombospondin type 1 domain containing 1; minus strand). Cytogenetic location: 13q14.3.
Variant type: single nucleotide variant.
Coding change: c.701T>C on transcript NM_018676.4 (MANE Select); coding-DNA position 701, T replaced by C.
Protein change: p.Ile234Thr; replaces isoleucine 234 with threonine.
Molecular consequence: missense variant.
Genome position (GRCh38, 1-based): chr13:52,397,552, A>G on the plus strand (T>C on the coding strand, the complement: THSD1 is on the minus strand). VCF-style: chr13-52397552-A-G. GRCh37 (hg19) VCF-style: chr13-52971687-A-G.
Other names: c.701T>C, p.Ile234Thr (NM_199263.3); short protein forms I234T.
Identifiers: ClinVar variation 3037282 (VCV003037282.16), dbSNP rs149590732, ClinGen allele CA6992155.